The following is an entry in ClinVar:

ClinVar aggregate classification (germline): Uncertain significance (1 of 4 stars; one submission).

Conditions:
Neuropathy, hereditary sensory and autonomic, type 2A (HSAN2A). Also called: HSAN IIA; WNK1-Related HSAN2 (HSAN2A); ACROOSTEOLYSIS, GIACCAI TYPE; ACROOSTEOLYSIS, NEUROGENIC; MORVAN DISEASE; NEUROPATHY, CONGENITAL SENSORY. Identifiers: Orphanet 970, MedGen C2752089, MONDO:0024309, OMIM 201300.
Pseudohypoaldosteronism type 2C (PHA2C). Also called: Pseudohypoaldosteronism Type IIC. Identifiers: Orphanet 757, Orphanet 88940, MedGen C1840391, MONDO:0013778, OMIM 614492.

Allele frequency attached by ClinVar (database versions not stated): gnomAD 0.00001; ExAC 0.00002.
gnomAD v4.1: 26 of 1,613,934 alleles (0.0016%); highest among the groups gnomAD compares: Non-Finnish European, 0.00042%; no homozygotes.

Submission:

Labcorp Genetics (formerly Invitae), Labcorp
Classification: Uncertain significance for Neuropathy, hereditary sensory and autonomic, type 2A; Pseudohypoaldosteronism type 2C. Last evaluated: 2023-12-30. Review status: criteria provided, single submitter. Criteria: Invitae Variant Classification Sherloc (09022015). Collection method: clinical testing. Allele origin: germline.
Comment: This sequence change replaces valine, which is neutral and non-polar, with leucine, which is neutral and non-polar, at codon 707 of the WNK1 protein (p.Val707Leu). This variant is present in population databases (rs761380468, gnomAD 0.01%). This variant has not been reported in the literature in individuals affected with WNK1-related conditions. Advanced modeling of protein sequence and biophysical properties (such as structural, functional, and spatial information, amino acid conservation, physicochemical variation, residue mobility, and thermodynamic stability) performed at Invitae indicates that this missense variant is not expected to disrupt WNK1 protein function with a negative predictive value of 95%. In summary, the available evidence is currently insufficient to determine the role of this variant in disease. Therefore, it has been classified as a Variant of Uncertain Significance.

NM_018979.4(WNK1):c.2119G>T (p.Val707Leu)

Gene: WNK1 (WNK lysine deficient protein kinase 1; plus strand). Cytogenetic location: 12p13.33.
Variant type: single nucleotide variant.
Coding change: c.2119G>T on transcript NM_018979.4 (MANE Select); coding-DNA position 2119, G replaced by T.
Protein change: p.Val707Leu; replaces valine 707 with leucine.
Molecular consequence: missense variant.
Genome position (GRCh38, 1-based): chr12:862,250, G>T. VCF-style: chr12-862250-G-T. GRCh37 (hg19) VCF-style: chr12-971416-G-T.
Other names: c.2119G>T, p.Val707Leu (NM_001184985.2, NM_014823.3, NM_213655.5); short protein forms V707L.
Identifiers: ClinVar variation 2921816 (VCV002921816.3), dbSNP rs761380468, ClinGen allele CA6382109.